The following is an entry in ClinVar:

ClinVar aggregate classification (germline): Uncertain significance (1 of 4 stars; one submission).

Conditions:
Hereditary cancer-predisposing syndrome. Also called: Neoplastic Syndromes, Hereditary; Tumor predisposition; Hereditary neoplastic syndrome; Hereditary Cancer Syndrome. Identifiers: Orphanet 140162, MedGen C0027672, MeSH D009386, MONDO:0015356.

Submission:

Ambry Genetics
Classification: Uncertain significance for Hereditary cancer-predisposing syndrome. Last evaluated: 2026-09-04. Review status: criteria provided, single submitter. Criteria: Ambry Variant Classification Scheme 2023. Collection method: clinical testing. Allele origin: germline.
Comment: The p.P1547R variant (also known as c.4640C>G), located in coding exon 36 of the POLE gene, results from a C to G substitution at nucleotide position 4640. The proline at codon 1547 is replaced by arginine, an amino acid with dissimilar properties. This amino acid position is conserved. In addition, the in silico prediction for this alteration is inconclusive. Based on the available evidence, the clinical significance of this variant remains unclear.

NM_006231.4(POLE):c.4640C>G (p.Pro1547Arg)

Gene: POLE (DNA polymerase epsilon, catalytic subunit; minus strand). Cytogenetic location: 12q24.33.
Variant type: single nucleotide variant.
Coding change: c.4640C>G on transcript NM_006231.4 (MANE Select); coding-DNA position 4640, C replaced by G.
Protein change: p.Pro1547Arg; replaces proline 1547 with arginine.
Molecular consequence: missense variant.
Genome position (GRCh38, 1-based): chr12:132,642,908, G>C on the plus strand (C>G on the coding strand, the complement: POLE is on the minus strand). VCF-style: chr12-132642908-G-C. GRCh37 (hg19) VCF-style: chr12-133219494-G-C.
Other names: short protein forms P1547R.
Identifiers: ClinVar variation 5027134 (VCV005027134.1).
Genomic context (GRCh38, chr12:132,642,908, plus strand): 5'-GCTCTGCAGATGGTCTTCAGGTCAGTTTCTGCCCGAACTTCGAAGGTGTGTTTGGGGGGT[G>C]GCAGGAGCTCAGGGCCCACCTTCTCCAGGAGGAGGCCGTGCTCTGCTGAGTACAGGGCGC-3'
Protein context (NP_006222.2, residues 1537-1557): LLEKVGPELL[Pro1547Arg]PPKHTFEVRA